The following is an entry in ClinVar:

ClinVar aggregate classification (germline): Uncertain significance (1 of 4 stars; one submission).

gnomAD v4.1: 1 of 1,181,548 alleles (0.000085%); highest among the groups gnomAD compares: Admixed American, 0.0022%; no homozygotes.

Submission:

GeneDx
Classification: Uncertain significance. Last evaluated: 2026-02-21. Review status: criteria provided, single submitter. Criteria: GeneDx Variant Classification Process June 2021. Collection method: clinical testing. Allele origin: germline.
Comment: Not observed at significant frequency in large population cohorts (gnomAD); In silico analysis supports that this missense variant has a deleterious effect on protein structure/function; Has not been previously published as pathogenic or benign to our knowledge

NM_000390.4(CHM):c.1354A>T (p.Ile452Phe)

Gene: CHM (CHM Rab escort protein; minus strand). Cytogenetic location: Xq21.2.
Variant type: single nucleotide variant.
Coding change: c.1354A>T on transcript NM_000390.4 (MANE Select); coding-DNA position 1354, A replaced by T.
Protein change: p.Ile452Phe; replaces isoleucine 452 with phenylalanine.
Molecular consequence: missense variant.
Genome position (GRCh38, 1-based): chrX:85,900,705, T>A on the plus strand (A>T on the coding strand, the complement: CHM is on the minus strand). VCF-style: chrX-85900705-T-A. GRCh37 (hg19) VCF-style: chrX-85155710-T-A.
Other names: c.910A>T, p.Ile304Phe (NM_001362517.1, NM_001362518.2, NM_001362519.1 and 1 more transcripts); short protein forms I304F, I452F.
Identifiers: ClinVar variation 4888149 (VCV004888149.1).